The following is an entry in ClinVar:

Conditions:
Breast-ovarian cancer, familial, susceptibility to, 1 (BROVCA1). Also called: BRCA1 Hereditary Breast and Ovarian Cancer; OVARIAN CANCER, SUSCEPTIBILITY TO. Identifiers: Orphanet 145, MedGen C2676676, MONDO:0011450, OMIM 604370. Disease mechanism: loss of function.

Submission:

Brotman Baty Institute, University of Washington
No classification provided (evidence only). Condition: Breast-ovarian cancer, familial 1. Review status: no classification provided. Collection method: in vitro. Allele origin: not applicable. Functional consequence: functionally_normal.
ClinVar note: "not provided" was previously submitted as the classification for the variant. However, the classification appeared to be based only on an observation of functional data so it was converted to no classification on 2025-07-30.

NM_007294.4(BRCA1):c.244C>A (p.Leu82Ile)

Gene: BRCA1 (BRCA1 DNA repair associated; minus strand). Cytogenetic location: 17q21.31.
Variant type: single nucleotide variant.
Coding change: c.244C>A on transcript NM_007294.4 (MANE Select); coding-DNA position 244, C replaced by A.
Protein change: p.Leu82Ile; replaces leucine 82 with isoleucine.
Molecular consequence: missense variant. On other transcripts: non-coding transcript variant (1).
Genome position (GRCh38, 1-based): chr17:43,104,925, G>T on the plus strand (C>A on the coding strand, the complement: BRCA1 is on the minus strand). VCF-style: chr17-43104925-G-T. GRCh37 (hg19) VCF-style: chr17-41256942-G-T.
Other names: c.244C>A, p.Leu82Ile (NM_001407612.1, NM_001407613.1, NM_001407614.1 and 168 more transcripts); c.166C>A, p.Leu56Ile (NM_001407653.1, NM_001407654.1, NM_001407655.1 and 21 more transcripts); c.103C>A, p.Leu35Ile (NM_001407692.1, NM_001407694.1, NM_001407695.1 and 99 more transcripts); c.34C>A, p.Leu12Ile (NM_001407853.1, NM_001407879.1, NM_001407881.1 and 58 more transcripts); c.-138C>A (NM_001407959.1, NM_001407960.1, NM_001407962.1 and 4 more transcripts); c.112C>A, p.Leu38Ile (NM_001408451.1); short protein forms L82I, L35I, L12I, L38I, L56I.
Identifiers: ClinVar variation 868801 (VCV000868801.3), dbSNP rs2054688287, ClinGen allele CA10601669.